The following is an entry in ClinVar:

ClinVar aggregate classification (germline): Uncertain significance (1 of 4 stars; one submission).

Allele frequency attached by ClinVar (database versions not stated): gnomAD exomes below 0.00001; TOPMed below 0.00001; ExAC 0.00001; ESP Exome Variant Server 0.00008.
gnomAD v4.1: 1 of 1,614,204 alleles (0.000062%); highest among the groups gnomAD compares: African/African-American, 0.0013%; no homozygotes.

Submission:

Labcorp Genetics (formerly Invitae), Labcorp
Classification: Uncertain significance. Last evaluated: 2022-04-30. Review status: criteria provided, single submitter. Criteria: Invitae Variant Classification Sherloc (09022015). Collection method: clinical testing. Allele origin: germline.
Comment: In summary, the available evidence is currently insufficient to determine the role of this variant in disease. Therefore, it has been classified as a Variant of Uncertain Significance. Algorithms developed to predict the effect of missense changes on protein structure and function are either unavailable or do not agree on the potential impact of this missense change (SIFT: "Deleterious"; PolyPhen-2: "Possibly Damaging"; Align-GVGD: "Class C0"). This variant has not been reported in the literature in individuals affected with EXOSC2-related conditions. This variant is present in population databases (rs149268432, gnomAD 0.007%). This sequence change replaces glutamic acid, which is acidic and polar, with lysine, which is basic and polar, at codon 128 of the EXOSC2 protein (p.Glu128Lys).

NM_014285.7(EXOSC2):c.382G>A (p.Glu128Lys)

Gene: EXOSC2 (exosome component 2; plus strand). Cytogenetic location: 9q34.12.
Variant type: single nucleotide variant.
Coding change: c.382G>A on transcript NM_014285.7 (MANE Select); coding-DNA position 382, G replaced by A.
Protein change: p.Glu128Lys; replaces glutamic acid 128 with lysine.
Molecular consequence: missense variant. On other transcripts: non-coding transcript variant (1).
Genome position (GRCh38, 1-based): chr9:130,699,350, G>A. VCF-style: chr9-130699350-G-A. GRCh37 (hg19) VCF-style: chr9-133574737-G-A.
Other names: c.382G>A, p.Glu128Lys (NM_001282708.1); c.292G>A, p.Glu98Lys (NM_001282709.1); short protein forms E128K, E98K.
Identifiers: ClinVar variation 2132360 (VCV002132360.4), dbSNP rs149268432, ClinGen allele CA5284845.